The following is an entry in ClinVar:

ClinVar aggregate classification (germline): Uncertain significance (1 of 4 stars; one submission).

Conditions:
Ehlers-Danlos syndrome, classic type, 1 (EDSCL1). Also called: EHLERS-DANLOS SYNDROME, GRAVIS TYPE; EHLERS-DANLOS SYNDROME, SEVERE CLASSIC TYPE; Ehlers-Danlos syndrome, type 1; Ehlers-Danlos Syndrome, Classic Type, COL5A1-Related; EDS I. Identifiers: MedGen C0268335, MONDO:0019567, OMIM 130000.
Osteogenesis imperfecta type I (OI1). Also called: OI, TYPE I; OSTEOGENESIS IMPERFECTA TARDA; OSTEOGENESIS IMPERFECTA WITH BLUE SCLERAE; Osteogenesis imperfecta type 1; Lobstein's Disease; Lobstein disease. Identifiers: Orphanet 216796, Orphanet 666, MedGen C0023931, MONDO:0008146, OMIM 166200. Disease mechanism: loss of function.

Submission:

Labcorp Genetics (formerly Invitae), Labcorp
Classification: Uncertain significance for Osteogenesis imperfecta type I; Ehlers-Danlos syndrome, classic type, 1. Last evaluated: 2026-01-25. Review status: criteria provided, single submitter. Criteria: Invitae Variant Classification Sherloc (09022015). Collection method: clinical testing. Allele origin: germline.
Comment: This sequence change replaces aspartic acid, which is acidic and polar, with valine, which is neutral and non-polar, at codon 1120 of the COL1A2 protein (p.Asp1120Val). This variant is not present in population databases (gnomAD no frequency). This missense change has been observed in individual(s) with osteogenesis imperfecta (PMID: 33070251; internal data). Invitae Evidence Modeling of protein sequence and biophysical properties (such as structural, functional, and spatial information, amino acid conservation, physicochemical variation, residue mobility, and thermodynamic stability) has been performed for this missense variant. However, the output from this modeling did not meet the statistical confidence thresholds required to predict the impact of this variant on COL1A2 protein function. This variant disrupts the p.Asp1120 amino acid residue in COL1A2. Other variant(s) that disrupt this residue have been determined to be pathogenic (PMID: 27264419, 29669177; internal data). This suggests that this residue is clinically significant, and that variants that disrupt this residue are likely to be disease-causing. In summary, the available evidence is currently insufficient to determine the role of this variant in disease. Therefore, it has been classified as a Variant of Uncertain Significance.

Literature cited by the submitters: PubMed 33070251; PubMed 27264419; PubMed 29669177.

NM_000089.4(COL1A2):c.3359A>T (p.Asp1120Val)

Gene: COL1A2 (collagen type I alpha 2 chain; plus strand). Cytogenetic location: 7q21.3.
Variant type: single nucleotide variant.
Coding change: c.3359A>T on transcript NM_000089.4 (MANE Select); coding-DNA position 3359, A replaced by T.
Protein change: p.Asp1120Val; replaces aspartic acid 1120 with valine.
Molecular consequence: missense variant.
Genome position (GRCh38, 1-based): chr7:94,427,718, A>T. VCF-style: chr7-94427718-A-T. GRCh37 (hg19) VCF-style: chr7-94057030-A-T.
Other names: short protein forms D1120V.
Identifiers: ClinVar variation 4791942 (VCV004791942.1).